The following is an entry in ClinVar:

ClinVar aggregate classification (germline): Likely benign. Review status: criteria provided, single submitter (1 of 4 stars). 2 submissions from 2 submitters: Likely benign (1). 1 of the submissions does not count toward it. Last evaluated 2024-09-30.

Conditions:
STK36-related disorder. Also called: STK36-related condition.

Allele frequency attached by ClinVar (database versions not stated): gnomAD 0.00047; gnomAD exomes 0.00049; TOPMed 0.00070; ExAC 0.00105; 1000 Genomes Project 30x 0.00281; 1000 Genomes Project 0.00300.
gnomAD v4.1: 790 of 1,614,186 alleles (0.049%); highest among the groups gnomAD compares: East Asian, 1.4%; 8 homozygotes.

Submissions (2):

Blueprint Genetics
Classification: Likely benign. Last evaluated: 2024-09-30. Review status: criteria provided, single submitter. Criteria: ACMG Guidelines, 2015. Collection method: clinical testing. Allele origin: germline.

PreventionGenetics, part of Exact Sciences
Classification: Benign for STK36-related condition. Last evaluated: 2019-12-16. Review status: no assertion criteria provided. Collection method: clinical testing. Allele origin: germline. Not counted in ClinVar's aggregate classification.
Comment: This variant is classified as benign based on ACMG/AMP sequence variant interpretation guidelines (Richards et al. 2015 PMID: 25741868, with internal and published modifications).

NM_015690.5(STK36):c.718C>T (p.Arg240Trp)

Gene: STK36 (serine/threonine kinase 36; plus strand). Cytogenetic location: 2q35.
Variant type: single nucleotide variant.
Coding change: c.718C>T on transcript NM_015690.5 (MANE Select); coding-DNA position 718, C replaced by T.
Protein change: p.Arg240Trp; replaces arginine 240 with tryptophan.
Molecular consequence: missense variant.
Genome position (GRCh38, 1-based): chr2:218,679,201, C>T. VCF-style: chr2-218679201-C-T. GRCh37 (hg19) VCF-style: chr2-219543924-C-T.
Other names: c.718C>T, p.Arg240Trp (NM_001243313.2, NM_001369423.1); short protein forms R240W.
Identifiers: ClinVar variation 3048938 (VCV003048938.3), dbSNP rs35038757, ClinGen allele CA2110568.
Genomic context (GRCh38, chr2:218,679,201, plus strand): 5'-CTGATGGAATATTTTTTCTCTCTGTAGAACTTCCTGCAGGGACTGCTCACCAAAGACCCA[C>T]GGCAGCGACTGTCCTGGCCAGACCTCTTATATCACCCCTTTATTGCTGGTCATGTCACCA-3'
Protein context (NP_056505.2, residues 230-250): FLQGLLTKDP[Arg240Trp]QRLSWPDLLY